The following is an entry in ClinVar:

NM_001278116.2(L1CAM):c.2208+5G>C

Gene: L1CAM (L1 cell adhesion molecule; minus strand). Cytogenetic location: Xq28.
Variant type: single nucleotide variant.
Coding change: c.2208+5G>C on transcript NM_001278116.2 (MANE Select); 5 bases into the intron after coding-DNA position 2208, G replaced by C.
Molecular consequence: intron variant.
Genome position (GRCh38, 1-based): chrX:153,867,049, C>G on the plus strand (G>C on the coding strand, the complement: L1CAM is on the minus strand). VCF-style: chrX-153867049-C-G. GRCh37 (hg19) VCF-style: chrX-153132504-C-G.
Other names: c.2193+5G>C (NM_001143963.2); c.2208+5G>C (NM_024003.3, NM_000425.5).
Identifiers: ClinVar variation 3364179 (VCV003364179.1).
Genomic context (GRCh38, chrX:153,867,049, plus strand): 5'-GGGAGCAACAGACACCCAGGTCATGGCCTCATGTCCCCCAGGCAGCTCAGCCCAGGGACT[C>G]TCACCTTCCACGTGATGACCATATTGGTGGTCTCATTTCCTTCCCCCTTCACATCCACAG-3'

ClinVar aggregate classification (germline): Uncertain significance (1 of 4 stars; one submission).

Submission:

GeneDx
Classification: Uncertain significance. Last evaluated: 2023-11-10. Review status: criteria provided, single submitter. Criteria: GeneDx Variant Classification Process June 2021. Collection method: clinical testing. Allele origin: germline. Affected: yes.
Comment: Not observed at significant frequency in large population cohorts (gnomAD); In silico analysis supports that this variant does not alter splicing; Has not been previously published as pathogenic or benign to our knowledge